The following is an entry in ClinVar:

ClinVar aggregate classification (germline): Uncertain significance (1 of 4 stars; one submission).

Allele frequency attached by ClinVar (database versions not stated): TOPMed below 0.00001; gnomAD 0.00001.

Submission:

Labcorp Genetics (formerly Invitae), Labcorp
Classification: Uncertain significance. Last evaluated: 2022-05-18. Review status: criteria provided, single submitter. Criteria: Invitae Variant Classification Sherloc (09022015). Collection method: clinical testing. Allele origin: germline.
Comment: This sequence change replaces glycine, which is neutral and non-polar, with cysteine, which is neutral and slightly polar, at codon 1207 of the COL11A1 protein (p.Gly1207Cys). This variant is not present in population databases (gnomAD no frequency). In summary, the available evidence is currently insufficient to determine the role of this variant in disease. Therefore, it has been classified as a Variant of Uncertain Significance. Advanced modeling of protein sequence and biophysical properties (such as structural, functional, and spatial information, amino acid conservation, physicochemical variation, residue mobility, and thermodynamic stability) performed at Invitae indicates that this missense variant is expected to disrupt COL11A1 protein function. This variant has not been reported in the literature in individuals affected with COL11A1-related conditions.

NM_001854.4(COL11A1):c.3619G>T (p.Gly1207Cys)

Gene: COL11A1 (collagen type XI alpha 1 chain; minus strand). Cytogenetic location: 1p21.1.
Variant type: single nucleotide variant.
Coding change: c.3619G>T on transcript NM_001854.4 (MANE Select); coding-DNA position 3619, G replaced by T.
Protein change: p.Gly1207Cys; replaces glycine 1207 with cysteine.
Molecular consequence: missense variant. On other transcripts: non-coding transcript variant (1).
Genome position (GRCh38, 1-based): chr1:102,923,371, C>A on the plus strand (G>T on the coding strand, the complement: COL11A1 is on the minus strand). VCF-style: chr1-102923371-C-A. GRCh37 (hg19) VCF-style: chr1-103388927-C-A.
Other names: c.3271G>T, p.Gly1091Cys (NM_001168249.1, NM_080630.4); c.3502G>T, p.Gly1168Cys (NM_001190709.2); c.3655G>T, p.Gly1219Cys (NM_080629.3); short protein forms G1168C, G1207C, G1219C, G1091C.
Identifiers: ClinVar variation 1995915 (VCV001995915.4), dbSNP rs1234981157, ClinGen allele CA341164623.